The following is an entry in ClinVar:

NM_004304.5(ALK):c.4300G>A (p.Glu1434Lys)

Gene: ALK (ALK receptor tyrosine kinase; minus strand). Cytogenetic location: 2p23.2.
Variant type: single nucleotide variant.
Coding change: c.4300G>A on transcript NM_004304.5 (MANE Select); coding-DNA position 4300, G replaced by A.
Protein change: p.Glu1434Lys; replaces glutamic acid 1434 with lysine.
Molecular consequence: missense variant.
Genome position (GRCh38, 1-based): chr2:29,193,787, C>T on the plus strand (G>A on the coding strand, the complement: ALK is on the minus strand). VCF-style: chr2-29193787-C-T. GRCh37 (hg19) VCF-style: chr2-29416653-C-T.
Other names: c.1096G>A, p.Glu366Lys (NM_001353765.2); short protein forms E366K, E1434K.
Identifiers: ClinVar variation 2447095 (VCV002447095.4), dbSNP rs778085426, ClinGen allele CA1593603.

ClinVar aggregate classification (germline): Uncertain significance. Review status: criteria provided, multiple submitters, no conflicts (2 of 4 stars). 2 submissions from 2 submitters: Uncertain significance (2). Last evaluated 2024-07-16.

Conditions:
Hereditary cancer-predisposing syndrome. Also called: Hereditary neoplastic syndrome; Tumor predisposition; Neoplastic Syndromes, Hereditary; Hereditary Cancer Syndrome. Identifiers: Orphanet 140162, MedGen C0027672, MeSH D009386, MONDO:0015356.
Neuroblastoma, susceptibility to, 3. Also called: ALK-Related Neuroblastic Tumor Susceptibility. Identifiers: Orphanet 635, MedGen C2751681, MONDO:0013083, OMIM 613014.

Allele frequency attached by ClinVar (database versions not stated): ExAC 0.00001; gnomAD exomes 0.00002.
gnomAD v4.1: 21 of 1,594,670 alleles (0.0013%); highest among the groups gnomAD compares: Non-Finnish European, 0.0018%; no homozygotes.

Submissions (2):

Labcorp Genetics (formerly Invitae), Labcorp
Classification: Uncertain significance for Neuroblastoma, susceptibility to, 3. Last evaluated: 2024-07-16. Review status: criteria provided, single submitter. Criteria: Invitae Variant Classification Sherloc (09022015). Collection method: clinical testing. Allele origin: germline.
Comment: This sequence change replaces glutamic acid, which is acidic and polar, with lysine, which is basic and polar, at codon 1434 of the ALK protein (p.Glu1434Lys). This variant is present in population databases (rs778085426, gnomAD 0.0009%). This variant has not been reported in the literature in individuals affected with ALK-related conditions. ClinVar contains an entry for this variant (Variation ID: 2447095). An algorithm developed to predict the effect of missense changes on protein structure and function (PolyPhen-2) suggests that this variant is likely to be tolerated. In summary, the available evidence is currently insufficient to determine the role of this variant in disease. Therefore, it has been classified as a Variant of Uncertain Significance.

Ambry Genetics
Classification: Uncertain significance for Hereditary cancer-predisposing syndrome. Last evaluated: 2023-02-20. Review status: criteria provided, single submitter. Criteria: Ambry Variant Classification Scheme 2023. Collection method: clinical testing. Allele origin: germline.
Comment: The p.E1434K variant (also known as c.4300G>A), located in coding exon 29 of the ALK gene, results from a G to A substitution at nucleotide position 4300. The glutamic acid at codon 1434 is replaced by lysine, an amino acid with similar properties. This amino acid position is conserved. In addition, this alteration is predicted to be tolerated by in silico analysis. Since supporting evidence is limited at this time, the clinical significance of this alteration remains unclear.